The following is an entry in ClinVar:

ClinVar aggregate classification (germline): Uncertain significance (1 of 4 stars; one submission).

Submission:

GeneDx
Classification: Uncertain significance. Last evaluated: 2022-09-15. Review status: criteria provided, single submitter. Criteria: GeneDx Variant Classification Process June 2021. Collection method: clinical testing. Allele origin: germline. Affected: yes.
Comment: Not observed at significant frequency in large population cohorts (gnomAD); In silico analysis supports that this missense variant has a deleterious effect on protein structure/function; Has not been previously published as pathogenic or benign to our knowledge

NM_020971.3(SPTBN4):c.3273G>C (p.Gln1091His)

Gene: SPTBN4 (spectrin beta, non-erythrocytic 4; plus strand). Cytogenetic location: 19q13.2.
Variant type: single nucleotide variant.
Coding change: c.3273G>C on transcript NM_020971.3 (MANE Select); coding-DNA position 3273, G replaced by C.
Protein change: p.Gln1091His; replaces glutamine 1091 with histidine.
Molecular consequence: missense variant.
Genome position (GRCh38, 1-based): chr19:40,519,770, G>C. VCF-style: chr19-40519770-G-C. GRCh37 (hg19) VCF-style: chr19-41025677-G-C.
Other names: short protein forms Q1091H.
Identifiers: ClinVar variation 2444527 (VCV002444527.1), dbSNP rs2080503331, ClinGen allele CA405916022.